The following is an entry in ClinVar:

ClinVar aggregate classification (germline): Uncertain significance (1 of 4 stars; one submission).

Submission:

GeneDx
Classification: Uncertain significance. Last evaluated: 2026-02-14. Review status: criteria provided, single submitter. Criteria: GeneDx Variant Classification Process June 2021. Collection method: clinical testing. Allele origin: germline.
Comment: Canonical splice site variant in a gene or region of a gene for which loss of function is not a well-established mechanism of disease; Not observed at significant frequency in large population cohorts (gnomAD); Has not been previously published as pathogenic or benign to our knowledge

NM_001257291.2(SLC9A7):c.1236+2T>A

Gene: SLC9A7 (solute carrier family 9 member A7; minus strand). Cytogenetic location: Xp11.3.
Variant type: single nucleotide variant.
Coding change: c.1236+2T>A on transcript NM_001257291.2 (MANE Select); the canonical splice donor site of the intron after coding-DNA position 1236, T replaced by A.
Molecular consequence: splice donor variant.
Genome position (GRCh38, 1-based): chrX:46,651,314, A>T on the plus strand (T>A on the coding strand, the complement: SLC9A7 is on the minus strand). VCF-style: chrX-46651314-A-T. GRCh37 (hg19) VCF-style: chrX-46510749-A-T.
Other names: c.1233+2T>A (NM_032591.3).
Identifiers: ClinVar variation 4975860 (VCV004975860.1).